The following is an entry in ClinVar:

NM_152594.3(SPRED1):c.631T>C (p.Tyr211His)

Gene: SPRED1 (sprouty related EVH1 domain containing 1; plus strand). Cytogenetic location: 15q14.
Variant type: single nucleotide variant.
Coding change: c.631T>C on transcript NM_152594.3 (MANE Select); coding-DNA position 631, T replaced by C.
Protein change: p.Tyr211His; replaces tyrosine 211 with histidine.
Molecular consequence: missense variant.
Genome position (GRCh38, 1-based): chr15:38,349,470, T>C. VCF-style: chr15-38349470-T-C. GRCh37 (hg19) VCF-style: chr15-38641671-T-C.
Other names: short protein forms Y211H.
Identifiers: ClinVar variation 1752847 (VCV001752847.3), dbSNP rs1896207918, ClinGen allele CA391932878.

ClinVar aggregate classification (germline): Uncertain significance. Review status: criteria provided, multiple submitters, no conflicts (2 of 4 stars). 2 submissions from 2 submitters: Uncertain significance (2). Last evaluated 2026-01-14.

Conditions:
Legius syndrome. Identifiers: Orphanet 137605, MedGen C1969623, MONDO:0012669, OMIM 611431. Disease mechanism: loss of function.
Cardiovascular phenotype. Identifiers: MedGen CN230736.

Submissions (2):

Labcorp Genetics (formerly Invitae), Labcorp
Classification: Uncertain significance for Legius syndrome. Last evaluated: 2026-01-14. Review status: criteria provided, single submitter. Criteria: Invitae Variant Classification Sherloc (09022015). Collection method: clinical testing. Allele origin: germline.
Comment: This sequence change replaces tyrosine, which is neutral and polar, with histidine, which is basic and polar, at codon 211 of the SPRED1 protein (p.Tyr211His). This variant is not present in population databases (gnomAD no frequency). This variant has not been reported in the literature in individuals affected with SPRED1-related conditions. ClinVar contains an entry for this variant (Variation ID: 1752847). An algorithm developed to predict the effect of missense changes on protein structure and function (PolyPhen-2) suggests that this variant is likely to be tolerated. In summary, the available evidence is currently insufficient to determine the role of this variant in disease. Therefore, it has been classified as a Variant of Uncertain Significance.

Ambry Genetics
Classification: Uncertain significance for Cardiovascular phenotype. Last evaluated: 2021-11-14. Review status: criteria provided, single submitter. Criteria: Ambry Variant Classification Scheme 2023. Collection method: clinical testing. Allele origin: germline.
Comment: The p.Y211H variant (also known as c.631T>C), located in coding exon 6 of the SPRED1 gene, results from a T to C substitution at nucleotide position 631. The tyrosine at codon 211 is replaced by histidine, an amino acid with similar properties. This amino acid position is conserved. In addition, this alteration is predicted to be tolerated by in silico analysis. Since supporting evidence is limited at this time, the clinical significance of this alteration remains unclear.